The following is an entry in ClinVar:

NM_054027.6(ANKH):c.1053A>T (p.Lys351Asn)

Gene: ANKH (ANKH inorganic pyrophosphate transport regulator; minus strand). Cytogenetic location: 5p15.2.
Variant type: single nucleotide variant.
Coding change: c.1053A>T on transcript NM_054027.6 (MANE Select); coding-DNA position 1053, A replaced by T.
Protein change: p.Lys351Asn; replaces lysine 351 with asparagine.
Molecular consequence: missense variant.
Genome position (GRCh38, 1-based): chr5:14,716,794, T>A on the plus strand (A>T on the coding strand, the complement: ANKH is on the minus strand). VCF-style: chr5-14716794-T-A. GRCh37 (hg19) VCF-style: chr5-14716903-T-A.
Other names: short protein forms K351N.
Identifiers: ClinVar variation 3542174 (VCV003542174.2).

ClinVar aggregate classification (germline): Uncertain significance. Review status: criteria provided, multiple submitters, no conflicts (2 of 4 stars). 2 submissions from 2 submitters: Uncertain significance (2). Last evaluated 2025-06-24.

Conditions:
Inborn genetic diseases. Identifiers: MedGen C0950123, MeSH D030342.

gnomAD v4.1: 1 of 1,614,162 alleles (0.000062%); highest among the groups gnomAD compares: East Asian, 0.0022%; no homozygotes.

Submissions (2):

GeneDx
Classification: Uncertain significance. Last evaluated: 2025-06-24. Review status: criteria provided, single submitter. Criteria: GeneDx Variant Classification Process June 2021. Collection method: clinical testing. Allele origin: germline. Affected: yes.
Comment: In silico analysis suggests that this missense variant does not alter protein structure/function; Has not been previously published as pathogenic or benign to our knowledge

Ambry Genetics
Classification: Uncertain significance for Inborn genetic diseases. Last evaluated: 2024-11-23. Review status: criteria provided, single submitter. Criteria: Ambry Variant Classification Scheme 2023. Collection method: clinical testing. Allele origin: germline.